The following is an entry in ClinVar:

NM_207361.6(FREM2):c.5581G>A (p.Val1861Met)

Gene: FREM2 (FRAS1 related extracellular matrix 2; plus strand). Cytogenetic location: 13q13.3.
Variant type: single nucleotide variant.
Coding change: c.5581G>A on transcript NM_207361.6 (MANE Select); coding-DNA position 5581, G replaced by A.
Protein change: p.Val1861Met; replaces valine 1861 with methionine.
Molecular consequence: missense variant.
Genome position (GRCh38, 1-based): chr13:38,769,748, G>A. VCF-style: chr13-38769748-G-A. GRCh37 (hg19) VCF-style: chr13-39343885-G-A.
Other names: short protein forms V1861M.
Identifiers: ClinVar variation 2413808 (VCV002413808.18), dbSNP rs750889221, ClinGen allele CA6955279.

ClinVar aggregate classification (germline): Uncertain significance. Review status: criteria provided, multiple submitters, no conflicts (2 of 4 stars). 3 submissions from 3 submitters: Uncertain significance (3). Last evaluated 2024-11-01.

Conditions:
Fraser syndrome 2 (FRASRS2). Identifiers: MedGen C4540036, MONDO:0054738, OMIM 617666.
Isolated cryptophthalmia. Also called: Cryptophthalmos, unilateral or bilateral, isolated; ANKYLOBLEPHARON, SIMPLE. Identifiers: Orphanet 91396, MedGen C1852453, MONDO:0007410, OMIM 123570.

Allele frequency attached by ClinVar (database versions not stated): ExAC 0.00002; gnomAD 0.00002.
gnomAD v4.1: 41 of 1,614,006 alleles (0.0025%); highest among the groups gnomAD compares: Middle Eastern, 0.016%; no homozygotes.

Submissions (3):

CeGaT Center for Human Genetics Tuebingen
Classification: Uncertain significance. Last evaluated: 2024-11-01. Review status: criteria provided, single submitter. Criteria: CeGaT Center For Human Genetics Tuebingen Variant Classification Criteria Version 2. Collection method: clinical testing. Allele origin: germline. Affected: yes. Observed: 1 variant allele.

Fulgent Genetics
Classification: Uncertain significance for Isolated cryptophthalmia; Fraser syndrome 2. Last evaluated: 2024-04-16. Review status: criteria provided, single submitter. Criteria: ACMG Guidelines, 2015. Collection method: clinical testing. Allele origin: germline.

Labcorp Genetics (formerly Invitae), Labcorp
Classification: Uncertain significance. Last evaluated: 2022-05-07. Review status: criteria provided, single submitter. Criteria: Invitae Variant Classification Sherloc (09022015). Collection method: clinical testing. Allele origin: germline.
Comment: This sequence change replaces valine, which is neutral and non-polar, with methionine, which is neutral and non-polar, at codon 1861 of the FREM2 protein (p.Val1861Met). This variant is present in population databases (rs750889221, gnomAD 0.009%). This variant has not been reported in the literature in individuals affected with FREM2-related conditions. Algorithms developed to predict the effect of missense changes on protein structure and function are either unavailable or do not agree on the potential impact of this missense change (SIFT: "Deleterious"; PolyPhen-2: "Possibly Damaging"; Align-GVGD: "Class C0"). In summary, the available evidence is currently insufficient to determine the role of this variant in disease. Therefore, it has been classified as a Variant of Uncertain Significance.